The following is an entry in ClinVar:

ClinVar aggregate classification (germline): Likely pathogenic (1 of 4 stars; one submission).

Conditions:
TTN-related disorder. Also called: TTN-related condition; TTN-related disease; TTN-related disorders.

Submission:

PreventionGenetics, part of Exact Sciences
Classification: Likely pathogenic for TTN-related condition. Last evaluated: 2023-06-13. Review status: criteria provided, single submitter. Criteria: ACMG Guidelines, 2015. Collection method: clinical testing. Allele origin: germline.
Comment: The TTN c.68169delA variant is predicted to result in a frameshift and premature protein termination (p.Lys22723Asnfs*4). To our knowledge, this variant has not been reported in the literature or in a large population database, indicating this variant is rare. RNAseq studies from heart tissue indicate this exon is commonly included in TTN mRNA transcripts (PSI of 100%) (Roberts et al. 2015. PMID: 25589632). This variant is located in the A-band of TTN where truncating variants are overrepresented in dilated cardiomyopathy (Herman et al. 2012. PMID: 22335739). This variant is interpreted as likely pathogenic.

NM_001267550.2(TTN):c.68169del (p.Lys22723fs)

Genes: TTN (titin; minus strand), TTN-AS1 (TTN antisense RNA 1; plus strand), LOC126806423 (CDK7 strongly-dependent group 2 enhancer GRCh37_chr2:179443309-179444508; plus strand). Cytogenetic location: 2q31.2.
Variant type: Deletion.
Coding change: c.68169del on transcript NM_001267550.2 (MANE Select); coding-DNA position 68169, one base deleted (A; older notation c.68169delA).
Protein change: p.Lys22723fs; shifts the reading frame from lysine 22723.
Molecular consequence: frameshift variant.
Genome position (GRCh38, 1-based): chr2:178,578,861, T deleted on the plus strand (A on the coding strand, the reverse complement: TTN is on the minus strand); the first of 3 consecutive T bases (chr2:178,578,861-178,578,863); deleting any one gives the same sequence. VCF-style (leftmost placement, unchanged base first): chr2-178578860-AT-A. GRCh37 (hg19) VCF-style: chr2-179443587-AT-A.
Other names: c.68169delA (NM_001267550.2); c.63246del, p.Lys21082fs (NM_001256850.1); c.40974del, p.Lys13658fs (NM_003319.4); c.60465del, p.Lys20155fs (NM_133378.4); c.41349del, p.Lys13783fs (NM_133432.3); c.41550del, p.Lys13850fs (NM_133437.4); short protein forms K13658fs, K13783fs, K13850fs, K20155fs, K21082fs, K22723fs.
Identifiers: ClinVar variation 2632454 (VCV002632454.1), dbSNP rs2468858249, ClinGen allele CA2695196991.